The following is an entry in ClinVar:

ClinVar aggregate classification (germline): Uncertain significance (1 of 4 stars; one submission).

Conditions:
Inborn genetic diseases. Identifiers: MedGen C0950123, MeSH D030342.

gnomAD v4.1: 1 of 1,607,684 alleles (0.000062%); highest among the groups gnomAD compares: Non-Finnish European, 0.000085%; no homozygotes.

Submission:

Ambry Genetics
Classification: Uncertain significance for Inborn genetic diseases. Last evaluated: 2024-07-01. Review status: criteria provided, single submitter. Criteria: Ambry Variant Classification Scheme 2023. Collection method: clinical testing. Allele origin: germline.
Comment: The p.D47N variant (also known as c.139G>A), located in coding exon 2 of the ATR gene, results from a G to A substitution at nucleotide position 139. The aspartic acid at codon 47 is replaced by asparagine, an amino acid with highly similar properties. This amino acid position is conserved. In addition, this alteration is predicted to be tolerated by in silico analysis. Based on the available evidence, the clinical significance of this variant remains unclear.

NM_001184.4(ATR):c.139G>A (p.Asp47Asn)

Gene: ATR (ATR serine/threonine kinase; minus strand). Cytogenetic location: 3q23.
Variant type: single nucleotide variant.
Coding change: c.139G>A on transcript NM_001184.4 (MANE Select); coding-DNA position 139, G replaced by A.
Protein change: p.Asp47Asn; replaces aspartic acid 47 with asparagine.
Molecular consequence: missense variant.
Genome position (GRCh38, 1-based): chr3:142,568,075, C>T on the plus strand (G>A on the coding strand, the complement: ATR is on the minus strand). VCF-style: chr3-142568075-C-T. GRCh37 (hg19) VCF-style: chr3-142286917-C-T.
Other names: c.139G>A, p.Asp47Asn (NM_001354579.2); short protein forms D47N.
Identifiers: ClinVar variation 3462130 (VCV003462130.1).